The following is an entry in ClinVar:

ClinVar aggregate classification (germline): Uncertain significance (1 of 4 stars; one submission).

Allele frequency attached by ClinVar (database versions not stated): TOPMed 0.00002.

Submission:

Labcorp Genetics (formerly Invitae), Labcorp
Classification: Uncertain significance. Last evaluated: 2022-11-08. Review status: criteria provided, single submitter. Criteria: Invitae Variant Classification Sherloc (09022015). Collection method: clinical testing. Allele origin: germline.
Comment: This sequence change replaces arginine, which is basic and polar, with histidine, which is basic and polar, at codon 82 of the PLA2G5 protein (p.Arg82His). This variant is not present in population databases (gnomAD no frequency). This variant has not been reported in the literature in individuals affected with PLA2G5-related conditions. ClinVar contains an entry for this variant (Variation ID: 1043191). Algorithms developed to predict the effect of missense changes on protein structure and function are either unavailable or do not agree on the potential impact of this missense change (SIFT: "Tolerated"; PolyPhen-2: "Possibly Damaging"; Align-GVGD: "Class C0"). Algorithms developed to predict the effect of sequence changes on RNA splicing suggest that this variant may disrupt the consensus splice site. In summary, the available evidence is currently insufficient to determine the role of this variant in disease. Therefore, it has been classified as a Variant of Uncertain Significance.

NM_000929.3(PLA2G5):c.245G>A (p.Arg82His)

Gene: PLA2G5 (phospholipase A2 group V; plus strand). Cytogenetic location: 1p36.13.
Variant type: single nucleotide variant.
Coding change: c.245G>A on transcript NM_000929.3 (MANE Select); coding-DNA position 245, G replaced by A.
Protein change: p.Arg82His; replaces arginine 82 with histidine.
Molecular consequence: missense variant.
Genome position (GRCh38, 1-based): chr1:20,089,848, G>A. VCF-style: chr1-20089848-G-A. GRCh37 (hg19) VCF-style: chr1-20416341-G-A.
Other names: short protein forms R82H.
Identifiers: ClinVar variation 1043191 (VCV001043191.8), dbSNP rs1413403017, ClinGen allele CA338821945.
Genomic context (GRCh38, chr1:20,089,848, plus strand): 5'-GGTGCTGTTGGGCGCATGACCACTGCTATGGGCGGCTGGAGGAGAAGGGCTGCAACATTC[G>A]CACACAGTCCTACAAATACAGATTCGCGTGGGGCGTGGTCACCTGCGGTAAGGCTGGGGC-3'
Protein context (NP_000920.1, residues 72-92): GRLEEKGCNI[Arg82His]TQSYKYRFAW